The following is an entry in ClinVar:

ClinVar aggregate classification (germline): Pathogenic (1 of 4 stars; one submission).

Submission:

Labcorp Genetics (formerly Invitae), Labcorp
Classification: Pathogenic. Last evaluated: 2021-06-11. Review status: criteria provided, single submitter. Criteria: Invitae Variant Classification Sherloc (09022015). Collection method: clinical testing. Allele origin: germline.
Comment: This variant has not been reported in the literature in individuals with ELP1-related conditions. For these reasons, this variant has been classified as Pathogenic. This variant is not present in population databases (ExAC no frequency). This sequence change creates a premature translational stop signal (p.Pro1289Leufs*5) in the ELP1 gene. It is expected to result in an absent or disrupted protein product. Loss-of-function variants in ELP1 are known to be pathogenic (PMID: 18303054, 24173031).

Literature cited by the submitters: PubMed 18303054; PubMed 24173031.

NM_003640.5(ELP1):c.3866_3870del (p.Pro1289fs)

Gene: ELP1 (elongator acetyltransferase complex subunit 1; minus strand). Cytogenetic location: 9q31.3.
Variant type: Deletion.
Coding change: c.3866_3870del on transcript NM_003640.5 (MANE Select); coding-DNA positions 3866 to 3870, 5 bases deleted (CCAAT; older notation c.3866_3870delCCAAT).
Protein change: p.Pro1289fs; shifts the reading frame from proline 1289.
Molecular consequence: frameshift variant.
Genome position (GRCh38, 1-based): chr9:108,874,956-108,874,960, ATTGG deleted on the plus strand (CCAAT on the coding strand, the reverse complement: ELP1 is on the minus strand). VCF-style (leftmost placement, unchanged base first): chr9-108874955-AATTGG-A. GRCh37 (hg19) VCF-style: chr9-111637235-AATTGG-A.
Other names: c.3524_3528del, p.Pro1175fs (NM_001318360.2); c.2819_2823del, p.Pro940fs (NM_001330749.2); short protein forms P1175fs, P940fs, P1289fs.
Identifiers: ClinVar variation 1455785 (VCV001455785.6), dbSNP rs2118925108, ClinGen allele CA2573143733.